The following is an entry in ClinVar:

ClinVar aggregate classification (germline): Conflicting classifications of pathogenicity. Review status: criteria provided, conflicting classifications (1 of 4 stars). 3 submissions from 3 submitters: Likely pathogenic (2); Uncertain significance (1). Last evaluated 2023-05-11.

Conditions:
Spastic tetraplegia and axial hypotonia, progressive. Also called: SOD1 DEFICIENCY, AUTOSOMAL RECESSIVE. Identifiers: MedGen C5231422, MONDO:0032828, OMIM 618598.
Amyotrophic lateral sclerosis type 1 (ALS1). Also called: AMYOTROPHIC LATERAL SCLEROSIS 1, FAMILIAL. Identifiers: Orphanet 803, MedGen C1862939, MONDO:0007103, OMIM 105400.

Allele frequency attached by ClinVar (database versions not stated): gnomAD exomes below 0.00001; gnomAD 0.00001; TOPMed 0.00001.
gnomAD v4.1: 3 of 1,607,078 alleles (0.00019%); highest among the groups gnomAD compares: East Asian, 0.0022%; no homozygotes.

Submissions (3):

GeneDx
Classification: Likely pathogenic. Last evaluated: 2023-05-11. Review status: criteria provided, single submitter. Criteria: GeneDx Variant Classification Process June 2021. Collection method: clinical testing. Allele origin: germline. Affected: yes.
Comment: Not observed at significant frequency in large population cohorts (gnomAD); In silico analysis supports that this missense variant has a deleterious effect on protein structure/function; This variant is associated with the following publications: (PMID: 36757662)

Labcorp Genetics (formerly Invitae), Labcorp
Classification: Likely pathogenic for Amyotrophic lateral sclerosis type 1. Last evaluated: 2023-05-03. Review status: criteria provided, single submitter. Criteria: Invitae Variant Classification Sherloc (09022015). Collection method: clinical testing. Allele origin: germline.
Comment: This sequence change replaces arginine, which is basic and polar, with histidine, which is basic and polar, at codon 116 of the SOD1 protein (p.Arg116His). In summary, the currently available evidence indicates that the variant is pathogenic, but additional data are needed to prove that conclusively. Therefore, this variant has been classified as Likely Pathogenic. This variant disrupts the p.Arg116 amino acid residue in SOD1. Other variant(s) that disrupt this residue have been determined to be pathogenic (PMID: 7881433, 15258228, 23280792). This suggests that this residue is clinically significant, and that variants that disrupt this residue are likely to be disease-causing. Advanced modeling of protein sequence and biophysical properties (such as structural, functional, and spatial information, amino acid conservation, physicochemical variation, residue mobility, and thermodynamic stability) performed at Invitae indicates that this missense variant is expected to disrupt SOD1 protein function. ClinVar contains an entry for this variant (Variation ID: 2442105). This variant has not been reported in the literature in individuals affected with SOD1-related conditions. This variant is not present in population databases (gnomAD no frequency).

Baylor Genetics
Classification: Uncertain significance for Spastic tetraplegia and axial hypotonia, progressive. Last evaluated: 2022-02-02. Review status: criteria provided, single submitter. Criteria: ACMG Guidelines, 2015. Collection method: clinical testing. Allele origin: unknown.

Literature cited by the submitters: PubMed 7881433 (cited by Labcorp Genetics (formerly Invitae), Labcorp); PubMed 15258228 (cited by Labcorp Genetics (formerly Invitae), Labcorp); PubMed 23280792 (cited by Labcorp Genetics (formerly Invitae), Labcorp).

NM_000454.5(SOD1):c.347G>A (p.Arg116His)

Gene: SOD1 (superoxide dismutase 1; plus strand). Cytogenetic location: 21q22.11.
Variant type: single nucleotide variant.
Coding change: c.347G>A on transcript NM_000454.5 (MANE Select); coding-DNA position 347, G replaced by A.
Protein change: p.Arg116His; replaces arginine 116 with histidine.
Molecular consequence: missense variant.
Genome position (GRCh38, 1-based): chr21:31,667,365, G>A. VCF-style: chr21-31667365-G-A. GRCh37 (hg19) VCF-style: chr21-33039678-G-A.
Other names: short protein forms R116H.
Identifiers: ClinVar variation 2442105 (VCV002442105.5), dbSNP rs1240334553, ClinGen allele CA410037591.